The following is an entry in ClinVar:

NM_001166108.2(PALLD):c.1965-12960A>T

Gene: PALLD (palladin, cytoskeletal associated protein; plus strand). Cytogenetic location: 4q32.3.
Variant type: single nucleotide variant.
Coding change: c.1965-12960A>T on transcript NM_001166108.2 (MANE Select); 12960 bases into the intron before coding-DNA position 1965, A replaced by T.
Molecular consequence: intron variant. On other transcripts: missense variant (1).
Genome position (GRCh38, 1-based): chr4:168,877,962, A>T. VCF-style: chr4-168877962-A-T. GRCh37 (hg19) VCF-style: chr4-169799113-A-T.
Other names: c.71A>T, p.Lys24Met (NM_001166110.2); c.1965-12960A>T (NM_016081.4); c.819-12960A>T (NM_001166109.2); c.-157-12960A>T (NM_001367570.1, NM_001367568.1, NM_001367567.1 and 1 more transcripts); short protein forms K24M.
Identifiers: ClinVar variation 4748738 (VCV004748738.1).

ClinVar aggregate classification (germline): Uncertain significance (1 of 4 stars; one submission).

Conditions:
Pancreatic adenocarcinoma. Identifiers: MedGen C0281361, MONDO:0006047, HP:0006725.

gnomAD v4.1: 3 of 1,501,708 alleles (0.0002%); highest among the groups gnomAD compares: African/African-American, 0.0015%; no homozygotes.

Submission:

Labcorp Genetics (formerly Invitae), Labcorp
Classification: Uncertain significance for Pancreatic adenocarcinoma. Last evaluated: 2025-10-02. Review status: criteria provided, single submitter. Criteria: Invitae Variant Classification Sherloc (09022015). Collection method: clinical testing. Allele origin: germline.
Comment: This sequence change replaces lysine, which is basic and polar, with methionine, which is neutral and non-polar, at codon 24 of the PALLD protein (p.Lys24Met). This variant is not present in population databases (gnomAD no frequency). This variant has not been reported in the literature in individuals affected with PALLD-related conditions. An algorithm developed to predict the effect of missense changes on protein structure and function (PolyPhen-2) suggests that this variant is likely to be disruptive. In summary, the available evidence is currently insufficient to determine the role of this variant in disease. Therefore, it has been classified as a Variant of Uncertain Significance.